The following is an entry in ClinVar:

ClinVar aggregate classification (germline): Conflicting classifications of pathogenicity. Review status: criteria provided, conflicting classifications (1 of 4 stars). 2 submissions from 2 submitters: Likely pathogenic (1); Uncertain significance (1). Last evaluated 2026-01-20.

Conditions:
Immunodeficiency 18 (IMD18). Also called: CD3epsilon deficiency; CD3-EPSILON DEFICIENCY. Identifiers: MedGen C3810127, MONDO:0014278, OMIM 615615.

Allele frequency attached by ClinVar (database versions not stated): gnomAD exomes below 0.00001; gnomAD 0.00001.

Submissions (2):

Labcorp Genetics (formerly Invitae), Labcorp
Classification: Likely pathogenic for Immunodeficiency 18. Last evaluated: 2026-01-20. Review status: criteria provided, single submitter. Criteria: Invitae Variant Classification Sherloc (09022015). Collection method: clinical testing. Allele origin: germline.
Comment: This sequence change affects an acceptor splice site in intron 3 of the CD3E gene. It is expected to disrupt RNA splicing. Variants that disrupt the donor or acceptor splice site typically lead to a loss of protein function (PMID: 16199547), and loss-of-function variants in CD3E are known to be pathogenic (PMID: 8490660, 15546002). The frequency data for this variant in the population databases is considered unreliable, as metrics indicate poor data quality at this position in the gnomAD database. This variant has not been reported in the literature in individuals affected with CD3E-related conditions. ClinVar contains an entry for this variant (Variation ID: 1475194). Algorithms developed to predict the effect of sequence changes on RNA splicing suggest that this variant may disrupt the consensus splice site. In summary, the currently available evidence indicates that the variant is pathogenic, but additional data are needed to prove that conclusively. Therefore, this variant has been classified as Likely Pathogenic.

Blueprint Genetics
Classification: Uncertain significance. Last evaluated: 2022-01-12. Review status: criteria provided, single submitter. Criteria: ACMG Guidelines, 2015. Collection method: clinical testing. Allele origin: germline.

Literature cited by the submitters: PubMed 16199547 (cited by Labcorp Genetics (formerly Invitae), Labcorp); PubMed 8490660 (cited by Labcorp Genetics (formerly Invitae), Labcorp); PubMed 15546002 (cited by Labcorp Genetics (formerly Invitae), Labcorp).

NM_000733.4(CD3E):c.71-2A>G

Gene: CD3E (CD3 epsilon subunit of T-cell receptor complex; plus strand). Cytogenetic location: 11q23.3.
Variant type: single nucleotide variant.
Coding change: c.71-2A>G on transcript NM_000733.4 (MANE Select); the canonical splice acceptor site of the intron before coding-DNA position 71, A replaced by G.
Molecular consequence: splice acceptor variant.
Genome position (GRCh38, 1-based): chr11:118,308,425, A>G. VCF-style: chr11-118308425-A-G. GRCh37 (hg19) VCF-style: chr11-118179140-A-G.
Identifiers: ClinVar variation 1475194 (VCV001475194.9), dbSNP rs908640922, ClinGen allele CA229498199.